The following is an entry in ClinVar:

ClinVar aggregate classification (germline): Pathogenic. Review status: criteria provided, single submitter (1 of 4 stars). 2 submissions from 2 submitters: Pathogenic (1). 1 of the submissions does not count toward it. Last evaluated 2018-09-05.

Conditions:
Epidermolysis bullosa, junctional 3B, severe. Also called: EPIDERMOLYSIS BULLOSA, JUNCTIONAL 3B, GENERALIZED SEVERE; EPIDERMOLYSIS BULLOSA, JUNCTIONAL 3B, HERLITZ TYPE. Identifiers: MedGen C5676939, MONDO:0030749, OMIM 619786.

Allele frequency attached by ClinVar (database versions not stated): gnomAD exomes 0.00001.
gnomAD v4.1: 3 of 1,613,982 alleles (0.00019%); highest among the groups gnomAD compares: East Asian, 0.0067%; no homozygotes.

Submissions (2):

Labcorp Genetics (formerly Invitae), Labcorp
Classification: Pathogenic. Last evaluated: 2018-09-05. Review status: criteria provided, single submitter. Criteria: Invitae Variant Classification Sherloc (09022015). Collection method: clinical testing. Allele origin: germline.
Comment: For these reasons, this variant has been classified as Pathogenic. Loss-of-function variants in LAMC2 are known to be pathogenic (PMID: 11907499, 16473856). This variant has been observed to be homozygous in an individual affected with junctional epidermolysis bullosa (PMID: 10951251). ClinVar contains an entry for this variant (Variation ID: 14557). This variant is not present in population databases (ExAC no frequency). This sequence change creates a premature translational stop signal (p.Cys553*) in the LAMC2 gene. It is expected to result in an absent or disrupted protein product.

OMIM
Classification: Pathogenic for EPIDERMOLYSIS BULLOSA, JUNCTIONAL 3B, SEVERE. Last evaluated: 2000-08-01. Review status: no assertion criteria provided. Collection method: literature only. Allele origin: germline. Not counted in ClinVar's aggregate classification.

Literature cited by the submitters: PubMed 11907499 (cited by Labcorp Genetics (formerly Invitae), Labcorp); PubMed 16473856 (cited by Labcorp Genetics (formerly Invitae), Labcorp); PubMed 10951251 (cited by Labcorp Genetics (formerly Invitae), Labcorp and OMIM).

NM_005562.3(LAMC2):c.1659C>A (p.Cys553Ter)

Gene: LAMC2 (laminin subunit gamma 2; plus strand). Cytogenetic location: 1q25.3.
Variant type: single nucleotide variant.
Coding change: c.1659C>A on transcript NM_005562.3 (MANE Select); coding-DNA position 1659, C replaced by A.
Protein change: p.Cys553Ter; replaces cysteine 553 with a stop codon.
Molecular consequence: nonsense.
Genome position (GRCh38, 1-based): chr1:183,228,564, C>A. VCF-style: chr1-183228564-C-A. GRCh37 (hg19) VCF-style: chr1-183197699-C-A.
Other names: c.1659C>A, p.Cys553Ter (NM_018891.3); short protein forms C553*.
Identifiers: ClinVar variation 14557 (VCV000014557.12), dbSNP rs118203900, ClinGen allele CA257291.